The following is an entry in ClinVar:

NM_005271.5(GLUD1):c.599A>G (p.Lys200Arg)

Gene: GLUD1 (glutamate dehydrogenase 1; minus strand). Cytogenetic location: 10q23.2.
Variant type: single nucleotide variant.
Coding change: c.599A>G on transcript NM_005271.5 (MANE Select); coding-DNA position 599, A replaced by G.
Protein change: p.Lys200Arg; replaces lysine 200 with arginine.
Molecular consequence: missense variant.
Genome position (GRCh38, 1-based): chr10:87,074,598, T>C on the plus strand (A>G on the coding strand, the complement: GLUD1 is on the minus strand). VCF-style: chr10-87074598-T-C. GRCh37 (hg19) VCF-style: chr10-88834355-T-C.
Other names: c.200A>G, p.Lys67Arg (NM_001318900.1); c.98A>G, p.Lys33Arg (NM_001318901.1, NM_001318902.1, NM_001318904.2 and 2 more transcripts); short protein forms K33R, K67R, K200R.
Identifiers: ClinVar variation 5008165 (VCV005008165.1).

ClinVar aggregate classification (germline): Uncertain significance (1 of 4 stars; one submission).

Submission:

GeneDx
Classification: Uncertain significance. Last evaluated: 2026-02-18. Review status: criteria provided, single submitter. Criteria: GeneDx Variant Classification Process June 2021. Collection method: clinical testing. Allele origin: germline.
Comment: Not observed at significant frequency in large population cohorts (gnomAD); In silico analysis suggests that this missense variant does not alter protein structure/function; Has not been previously published as pathogenic or benign to our knowledge